The following is an entry in ClinVar:

ClinVar aggregate classification (germline): Likely pathogenic. Review status: criteria provided, single submitter (1 of 4 stars). 2 submissions from 2 submitters: Likely pathogenic (1). 1 of the submissions does not count toward it.

Conditions:
Increased circulating IgE concentration. Also called: Increased IgE level; Ige, elevated level of. Identifiers: MedGen C0236175, HP:0003212.
Food allergy. Identifiers: MedGen C4554344, MONDO:0700226, HP:0500093.
Failure to thrive. Also called: Pediatric failure to thrive. Identifiers: MedGen C2315100, HP:0001508.
Increased total eosinophil count. Also called: Eosinophilia. Identifiers: MedGen C0014457, HP:0001880.
Atopic eczema. Identifiers: MedGen C0011615, MONDO:0004980, HP:0001047.
Eosinophilic gastroenteritis. Also called: Eosinophilic enteropathy; Eosinophilic enteritis; Eosinophilic Gastroenteropathy; Gastrointestinal eosinophilia. Identifiers: Orphanet 2070, MedGen C1262481, MONDO:0016129, HP:0032064.
Spongiosis. Identifiers: MedGen C0702120, HP:6001166.
HYPER-IgE SYNDROME 7, AUTOSOMAL RECESSIVE (HIES7). Identifiers: MedGen CN382683, OMIM 621760.

Submissions (2):

Turvey Lab, BC Children's Hospital Research Institute
Classification: Likely pathogenic for Atopic eczema; Increased circulating IgE concentration; Increased total eosinophil count; Food allergy; Eosinophilic gastroenteritis; Failure to thrive; Spongiosis. Review status: criteria provided, single submitter. Criteria: ACMG Guidelines, 2015. Collection method: research, in vitro. Allele origin: germline, not applicable. Affected: yes. Observed: 1 variant allele. Functional consequence: protein truncation, cellular mislocalization.
Comment: The OSMR c.1979_1980delAC (p.Tyr660Serfs16) variant is a two-nucleotide deletion causing a frameshift and premature stop codon in the intracellular domain of OSMRβ, a member of the IL-6 superfamily that mediates signalling through both the OSM type II receptor and the IL-31 receptor. This variant has been identified in one proband with severe early-onset atopic dermatitis, peripheral eosinophilia, and elevated serum IgE, in whom it was found in the homozygous state (Samra et al., JHI 2026; DOI 10.70962/jhi.20260067). Functional studies in HEK293 cells demonstrated that OSMRβ protein bearing the p.Tyr660Serfs16 variant failed to localise to the cell surface, instead accumulating in the intracellular compartment, consistent with a loss-of-function effect (PS3). Note that primary patient-derived cell assays and lentiviral rescue experiments were not performed for this specific variant. This variant is absent from the Genome Aggregation Database (gnomAD), indicating it is not a common polymorphism (PM2). In silico prediction tools including CADD, SIFT, and PolyPhen-2 predict this variant to be damaging (PP3). Although this frameshift variant would ordinarily warrant consideration of PVS1, this criterion was intentionally not applied as loss-of-function has not yet been established as a disease mechanism for OSMR in a peer-reviewed publication; this classification will be reviewed and updated upon formal publication of the associated manuscript. In summary, this variant is classified as Likely Pathogenic based on the following ACMG/AMP criteria: PS3 (Strong), PM2 (Moderate), PP3 (Supporting), meeting rule (ii) for Likely Pathogenic classification (1 Strong + 1–2 Moderate).

OMIM
Classification: Pathogenic for HYPER-IgE SYNDROME 7, AUTOSOMAL RECESSIVE. Last evaluated: 2026-11-25. Review status: no assertion criteria provided. Collection method: literature only. Allele origin: germline. Not counted in ClinVar's aggregate classification.

Literature cited by the submitters: PubMed 42221229 (cited by OMIM).

NM_003999.3(OSMR):c.1979_1980del (p.Tyr660fs)

Gene: OSMR (oncostatin M receptor; plus strand). Cytogenetic location: 5p13.1.
Variant type: Deletion.
Coding change: c.1979_1980del on transcript NM_003999.3 (MANE Select); coding-DNA positions 1979 to 1980, 2 bases deleted (AC; older notation c.1979_1980delAC).
Protein change: p.Tyr660fs; shifts the reading frame from tyrosine 660.
Molecular consequence: frameshift variant.
Genome position (GRCh38, 1-based): chr5:38,924,530-38,924,531, AC deleted. VCF-style (leftmost placement, unchanged base first): chr5-38924529-TAC-T. GRCh37 (hg19) VCF-style: chr5-38924631-TAC-T.
Other names: 2-BP DEL, 1979AC; c.1979_1980del, p.Tyr660fs (NM_001323505.2); c.1982_1983del, p.Tyr661fs (NM_001323506.2); c.1979_1980delAC (NM_003999.3); short protein forms Y660fs, Y661fs.
Identifiers: ClinVar variation 4852970 (VCV004852970.2).